The following is an entry in ClinVar:

NM_017514.5(PLXNA3):c.5004C>T (p.Phe1668=)

Gene: PLXNA3 (plexin A3; plus strand). Cytogenetic location: Xq28.
Variant type: single nucleotide variant.
Coding change: c.5004C>T on transcript NM_017514.5 (MANE Select); coding-DNA position 5004, C replaced by T.
Protein change: p.Phe1668=; no amino-acid change (phenylalanine 1668 retained).
Molecular consequence: synonymous variant.
Genome position (GRCh38, 1-based): chrX:154,470,459, C>T. VCF-style: chrX-154470459-C-T. GRCh37 (hg19) VCF-style: chrX-153698802-C-T.
Identifiers: ClinVar variation 4980054 (VCV004980054.1).

ClinVar aggregate classification (germline): Likely benign (1 of 4 stars; one submission).

Conditions:
PLXNA3-related disorder. Also called: PLXNA3-related condition.

gnomAD v4.1: 118 of 1,209,235 alleles (0.0098%); highest among the groups gnomAD compares: Admixed American, 0.017%; no homozygotes.

Submission:

PreventionGenetics, part of Exact Sciences
Classification: Likely benign for PLXNA3-related condition. Last evaluated: 2026-05-28. Review status: criteria provided, single submitter. Criteria: ACMG Guidelines, 2015. Collection method: clinical testing. Allele origin: germline.
Comment: This variant is classified as likely benign based on ACMG/AMP sequence variant interpretation guidelines (Richards et al. 2015 PMID: 25741868, with internal and published modifications).